The following is an entry in ClinVar:

ClinVar aggregate classification (germline): Conflicting classifications of pathogenicity. Review status: criteria provided, conflicting classifications (1 of 4 stars). 2 submissions from 2 submitters: Uncertain significance (1); Likely benign (1). Last evaluated 2025-06-01.

Allele frequency attached by ClinVar (database versions not stated): ExAC 0.00014; gnomAD 0.00021; TOPMed 0.00024; gnomAD exomes 0.00040; ESP Exome Variant Server 0.00065.
gnomAD v4.1: 602 of 1,609,016 alleles (0.037%); highest among the groups gnomAD compares: Non-Finnish European, 0.049%; 1 homozygote.

Submissions (2):

CeGaT Center for Human Genetics Tuebingen
Classification: Likely benign. Last evaluated: 2025-06-01. Review status: criteria provided, single submitter. Criteria: CeGaT Center For Human Genetics Tuebingen Variant Classification Criteria Version 2. Collection method: clinical testing. Allele origin: germline. Affected: yes. Observed: 1 variant allele.
Comment: RUBCN: BP4

Ambry Genetics
Classification: Uncertain significance. Last evaluated: 2023-12-20. Review status: criteria provided, single submitter. Criteria: Ambry Variant Classification Scheme 2023. Collection method: clinical testing. Allele origin: germline.

NM_014687.4(RUBCN):c.1325T>G (p.Val442Gly)

Gene: RUBCN (rubicon autophagy regulator; minus strand). Cytogenetic location: 3q29.
Variant type: single nucleotide variant.
Coding change: c.1325T>G on transcript NM_014687.4 (MANE Select); coding-DNA position 1325, T replaced by G.
Protein change: p.Val442Gly; replaces valine 442 with glycine.
Molecular consequence: missense variant.
Genome position (GRCh38, 1-based): chr3:197,696,986, A>C on the plus strand (T>G on the coding strand, the complement: RUBCN is on the minus strand). VCF-style: chr3-197696986-A-C. GRCh37 (hg19) VCF-style: chr3-197423857-A-C.
Other names: c.1190T>G, p.Val397Gly (NM_001145642.5); c.1370T>G, p.Val457Gly (NM_001346873.2); short protein forms V442G, V457G, V397G.
Identifiers: ClinVar variation 3157127 (VCV003157127.9), dbSNP rs200532942, ClinGen allele CA2786992.